The following is an entry in ClinVar:

NM_138425.4(C12orf57):c.218G>T (p.Cys73Phe)

Gene: C12orf57 (chromosome 12 open reading frame 57; plus strand). Cytogenetic location: 12p13.31.
Variant type: single nucleotide variant.
Coding change: c.218G>T on transcript NM_138425.4 (MANE Select); coding-DNA position 218, G replaced by T.
Protein change: p.Cys73Phe; replaces cysteine 73 with phenylalanine.
Molecular consequence: missense variant. On other transcripts: intron variant (1).
Genome position (GRCh38, 1-based): chr12:6,944,641, G>T. VCF-style: chr12-6944641-G-T. GRCh37 (hg19) VCF-style: chr12-7053804-G-T.
Other names: c.218G>T, p.Cys73Phe (NM_001301834.1); c.179G>T, p.Cys60Phe (NM_001301836.2); c.113G>T, p.Cys38Phe (NM_001301838.2); c.142+76G>T (NM_001301837.2); short protein forms C38F, C60F, C73F.
Identifiers: ClinVar variation 1057495 (VCV001057495.8), dbSNP rs1555146073, ClinGen allele CA383744819.

ClinVar aggregate classification (germline): Uncertain significance (1 of 4 stars; one submission).

Conditions:
Temtamy syndrome (TEMTYS). Also called: MENTAL RETARDATION WITH OR WITHOUT CRANIOFACIAL DYSMORPHISM, OCULAR COLOBOMA, OR ABNORMAL CORPUS CALLOSUM. Identifiers: Orphanet 1777, MedGen C1857512, MONDO:0009033, OMIM 218340.

Allele frequency attached by ClinVar (database versions not stated): gnomAD exomes below 0.00001; gnomAD 0.00001.
gnomAD v4.1: 3 of 1,612,040 alleles (0.00019%); highest among the groups gnomAD compares: South Asian, 0.0022%; no homozygotes.

Submission:

Labcorp Genetics (formerly Invitae), Labcorp
Classification: Uncertain significance for Temtamy syndrome. Last evaluated: 2020-02-18. Review status: criteria provided, single submitter. Criteria: Invitae Variant Classification Sherloc (09022015). Collection method: clinical testing. Allele origin: germline.
Comment: This sequence change replaces cysteine with phenylalanine at codon 73 of the C12orf57 protein (p.Cys73Phe). The cysteine residue is moderately conserved and there is a large physicochemical difference between cysteine and phenylalanine. This variant is not present in population databases (ExAC no frequency). This variant has not been reported in the literature in individuals with C12orf57-related conditions. Algorithms developed to predict the effect of missense changes on protein structure and function (SIFT, PolyPhen-2, Align-GVGD) all suggest that this variant is likely to be tolerated, but these predictions have not been confirmed by published functional studies and their clinical significance is uncertain. In summary, the available evidence is currently insufficient to determine the role of this variant in disease. Therefore, it has been classified as a Variant of Uncertain Significance.